The following is an entry in ClinVar:

ClinVar aggregate classification (germline): Uncertain significance. Review status: criteria provided, multiple submitters, no conflicts (2 of 4 stars). 3 submissions from 3 submitters: Uncertain significance (3). Last evaluated 2026-03-24.

Conditions:
Peroxisome biogenesis disorder 9B. Also called: PEX7-Related Refsum Disease; PEROXISOME BIOGENESIS DISORDER, PEX7-RELATED, ATYPICAL; Refsum disease, adult, 2. Identifiers: Orphanet 773, MedGen C2749346, MONDO:0013945, OMIM 614879.
Inborn genetic diseases. Identifiers: MedGen C0950123, MeSH D030342.
Peroxisome biogenesis disorder. Identifiers: Orphanet 79189, MedGen C1832200, MONDO:0019234. Disease mechanism: loss of function.

Allele frequency attached by ClinVar (database versions not stated): gnomAD 0.00001; gnomAD exomes 0.00001 and 0.00002; ExAC 0.00002; TOPMed 0.00002.

Submissions (3):

Myriad Genetics, Inc.
Classification: Uncertain significance for Peroxisome biogenesis disorder. Last evaluated: 2026-03-24. Review status: criteria provided, single submitter. Criteria: Myriad Autosomal Dominant, Autosomal Recessive and X-Linked Classification Criteria (2023). Collection method: clinical testing. Allele origin: unknown.
Comment: NM_000288.3(PEX7):c.946C>T(P316S) is a missense variant classified as a variant of uncertain significance in the context of PEX7-related disorders. P316S has been observed in a case with relevant disease (PMID: 40205409). Relevant functional assessments of this variant are not available in the literature. P316S has been observed in referenced population frequency databases. In summary, there is insufficient evidence to classify NM_000288.3(PEX7):c.946C>T(P316S) as pathogenic or benign. Please note: this variant was assessed in the context of healthy population screening.

Ambry Genetics
Classification: Uncertain significance for Inborn genetic diseases. Last evaluated: 2024-01-16. Review status: criteria provided, single submitter. Criteria: Ambry Variant Classification Scheme 2023. Collection method: clinical testing. Allele origin: germline.

Labcorp Genetics (formerly Invitae), Labcorp
Classification: Uncertain significance for Peroxisome biogenesis disorder 9B. Last evaluated: 2022-05-08. Review status: criteria provided, single submitter. Criteria: Invitae Variant Classification Sherloc (09022015). Collection method: clinical testing. Allele origin: germline.
Comment: This sequence change replaces proline, which is neutral and non-polar, with serine, which is neutral and polar, at codon 316 of the PEX7 protein (p.Pro316Ser). This variant is present in population databases (rs746310299, gnomAD 0.005%). This variant has not been reported in the literature in individuals affected with PEX7-related conditions. Algorithms developed to predict the effect of missense changes on protein structure and function are either unavailable or do not agree on the potential impact of this missense change (SIFT: "Tolerated"; PolyPhen-2: "Probably Damaging"; Align-GVGD: "Class C0"). In summary, the available evidence is currently insufficient to determine the role of this variant in disease. Therefore, it has been classified as a Variant of Uncertain Significance.

Literature cited by the submitters: PubMed 40205409 (cited by Myriad Genetics, Inc.).

NM_000288.4(PEX7):c.946C>T (p.Pro316Ser)

Gene: PEX7 (peroxisomal biogenesis factor 7; plus strand). Cytogenetic location: 6q23.3.
Variant type: single nucleotide variant.
Coding change: c.946C>T on transcript NM_000288.4 (MANE Select); coding-DNA position 946, C replaced by T.
Protein change: p.Pro316Ser; replaces proline 316 with serine.
Molecular consequence: missense variant.
Genome position (GRCh38, 1-based): chr6:136,913,500, C>T. VCF-style: chr6-136913500-C-T. GRCh37 (hg19) VCF-style: chr6-137234638-C-T.
Other names: c.946C>T (NM_000288.3); short protein forms P316S.
Identifiers: ClinVar variation 1370514 (VCV001370514.7), dbSNP rs746310299, ClinGen allele CA4017813.